The following is an entry in ClinVar:

NM_001105206.3(LAMA4):c.4744_4746del (p.Thr1582del)

Gene: LAMA4 (laminin subunit alpha 4; minus strand). Cytogenetic location: 6q21.
Variant type: Deletion.
Coding change: c.4744_4746del on transcript NM_001105206.3 (MANE Select); coding-DNA positions 4744 to 4746, 3 bases deleted (ACT; older notation c.4744_4746delACT).
Protein change: p.Thr1582del; deletes threonine 1582.
Genome position (GRCh38, 1-based): chr6:112,119,231-112,119,233, AGT deleted on the plus strand (ACT on the coding strand, the reverse complement: LAMA4 is on the minus strand); deleting any 3 consecutive bases within chr6:112,119,231-112,119,235 gives the same sequence; the c. name uses the placement nearest the transcript's 3' end. VCF-style (leftmost placement, unchanged base first): chr6-112119230-CAGT-C. GRCh37 (hg19) VCF-style: chr6-112440433-CAGT-C.
Other names: c.4723_4725del, p.Thr1575del (NM_001105207.3, NM_002290.5); short protein forms T1575del, T1582del.
Identifiers: ClinVar variation 3714898 (VCV003714898.2).

ClinVar aggregate classification (germline): Uncertain significance (1 of 4 stars; one submission).

Conditions:
Dilated cardiomyopathy 1JJ (CMD1JJ). Identifiers: Orphanet 154, MedGen C3808935, MONDO:0014095, OMIM 615235.

Submission:

Labcorp Genetics (formerly Invitae), Labcorp
Classification: Uncertain significance for Dilated cardiomyopathy 1JJ. Last evaluated: 2025-02-02. Review status: criteria provided, single submitter. Criteria: Invitae Variant Classification Sherloc (09022015). Collection method: clinical testing. Allele origin: germline.
Comment: This variant, c.4723_4725del, results in the deletion of 1 amino acid(s) of the LAMA4 protein (p.Thr1575del), but otherwise preserves the integrity of the reading frame. This variant is present in population databases (rs782263238, gnomAD 0.009%). This variant has not been reported in the literature in individuals affected with LAMA4-related conditions. Experimental studies and prediction algorithms are not available or were not evaluated, and the functional significance of this variant is currently unknown. In summary, the available evidence is currently insufficient to determine the role of this variant in disease. Therefore, it has been classified as a Variant of Uncertain Significance.